The following continues an entry in ClinVar:

NM_000016.6(ACADM):c.199T>C (p.Tyr67His)

Gene: ACADM. ClinVar aggregate classification (germline): Pathogenic/Likely pathogenic. Pathogenic (20); Likely pathogenic (2).

Submissions 11 to 23 of 23:

ARUP Laboratories, Molecular Genetics and Genomics, ARUP Laboratories
Classification: Pathogenic for Medium-chain acyl-coenzyme A dehydrogenase deficiency. Last evaluated: 2024-08-02. Review status: criteria provided, single submitter. Criteria: ARUP Molecular Germline Variant Investigation Process 2024. Collection method: clinical testing. Allele origin: germline.
Comment: The ACADM c.199T>C; p.Tyr67His variant (rs121434280; ClinVar ID: 3597), also known as Y42H, is reported in the literature in numerous individuals with a diagnosis or suspicion of MCAD deficiency that also carried a second pathogenic variant on the opposite allele (Jager 2019, Maier 2009, O'Reilly 2004, Tucci 2021, Zschocke 2001). The p.Tyr67His variant is found in the general population with an overall allele frequency of 0.05% (140/282,696 alleles) in the Genome Aggregation Database (v2.1.1). Functional analyses demonstrate that this variant results in a temperature-sensitive enzyme with partial activity (Jank 2014, Maier 2009, O'Reilly 2004). Based on available information, this variant is considered to be pathogenic. References: Jager EA et al. A nationwide retrospective observational study of population newborn screening for medium-chain acyl-CoA dehydrogenase (MCAD) deficiency in the Netherlands. J Inherit Metab Dis. 2019 Sep;42(5):890-897. PMID: 31012112. Jank JM et al. The domain-specific and temperature-dependent protein misfolding phenotype of variant medium-chain acyl-CoA dehydrogenase. PLoS One. 2014 Apr 9;9(4):e93852. PMID: 24718418. Maier EM et al. Protein misfolding is the molecular mechanism underlying MCADD identified in newborn screening. Hum Mol Genet. 2009 May 1;18(9):1612-23. PMID: 19224950. O'Reilly L et al. The Y42H mutation in medium-chain acyl-CoA dehydrogenase, which is prevalent in babies identified by MS/MS-based newborn screening, is temperature sensitive. Eur. J. Biochem. 2004; 271(20):4053-63. PMID: 15479234. Tucci S et al. Genotype and residual enzyme activity in medium-chain acyl-CoA dehydrogenase (MCAD) deficiency: Are predictions possible? J Inherit Metab Dis. 2021 Jul;44(4):916-925. PMID: 33580884. Zschocke J et al. Molecular and functional characterisation of mild MCAD deficiency. Hum. Genet. 2001; 108(5):404-8. PMID: 11409868.

Fulgent Genetics
Classification: Pathogenic for Medium-chain acyl-coenzyme A dehydrogenase deficiency. Last evaluated: 2024-04-08. Review status: criteria provided, single submitter. Criteria: ACMG Guidelines, 2015. Collection method: clinical testing. Allele origin: germline.

Baylor Genetics
Classification: Pathogenic for Medium-chain acyl-coenzyme A dehydrogenase deficiency. Last evaluated: 2024-03-29. Review status: criteria provided, single submitter. Criteria: ACMG Guidelines, 2015. Collection method: clinical testing. Allele origin: unknown.

Department of Human Genetics, Hannover Medical School
Classification: Pathogenic for Medium-chain acyl-coenzyme A dehydrogenase deficiency. Last evaluated: 2024-01-24. Review status: criteria provided, single submitter. Criteria: ACMG Guidelines, 2015. Collection method: clinical testing. Allele origin: germline. Affected: yes.

Greenwood Genetic Center Diagnostic Laboratories, Greenwood Genetic Center
Classification: Pathogenic for Medium-chain acyl-coenzyme A dehydrogenase deficiency. Last evaluated: 2022-06-15. Review status: criteria provided, single submitter. Criteria: ACMG Guidelines, 2015. Collection method: clinical testing. Allele origin: germline. Affected: yes.
Comment: PS3, PM2, PM3_Strong

Victorian Clinical Genetics Services, Murdoch Childrens Research Institute
Classification: Pathogenic for Medium-chain acyl-coenzyme A dehydrogenase deficiency. Last evaluated: 2022-02-02. Review status: criteria provided, single submitter. Criteria: ACMG Guidelines, 2015. Collection method: clinical testing. Allele origin: germline. Inheritance: Autosomal recessive inheritance. Affected: yes.
Comment: Based on the classification scheme VCGS_Germline_v1.3.4, this variant is classified as Pathogenic. Following criteria are met: 0102 - Loss of function is a known mechanism of disease in this gene and is associated with medium chain acyl-CoA dehydrogenase (MCAD) deficiency (MIM#201450). (I) 0106 - This gene is associated with autosomal recessive disease. (I) 0200 - Variant is predicted to result in a missense amino acid change from tyrosine to histidine. (I) 0251 - This variant is heterozygous. (I) 0304 - Variant is present in gnomAD <0.01 for a recessive condition (v2: 140 heterozygotes, 0 homozygotes). (SP) 0309 - An alternative amino acid change at the same position has been observed in gnomAD (v2: 1 heterozygote, 0 homozygotes). (I) 0502 - Missense variant with conflicting in silico predictions and uninformative conservation. (I) 0600 - Variant is located in the annotated Acyl-CoA dehydrogenase, N-terminal domain (DECIPHER). (I) 0801 - This variant has strong previous evidence of pathogenicity in unrelated individuals. Also known as p.(Ty42His), it is known as a common European variant and accounts for approximately 7% of all alleles identified in individuals with a positive MCAD deficiency result on newborn screening. It is also known to be associated with a milder clinical phenotype (GeneReviews). (SP) 1208 - Inheritance information for this variant is not currently available in this individual. (I) Legend: (SP) - Supporting pathogenic, (I) - Information, (SB) - Supporting benign

MGZ Medical Genetics Center
Classification: Pathogenic for Medium-chain acyl-coenzyme A dehydrogenase deficiency. Last evaluated: 2021-12-08. Review status: criteria provided, single submitter. Criteria: ACMG Guidelines, 2015. Collection method: clinical testing. Allele origin: germline. Affected: yes. Observed: 1 variant allele.
Comment: ACMG criteria applied: PS3, PM3_STR, PM2_SUP, PP3

Ambry Genetics
Classification: Pathogenic for Inborn genetic diseases. Last evaluated: 2020-12-04. Review status: criteria provided, single submitter. Criteria: Ambry Variant Classification Scheme 2023. Collection method: clinical testing. Allele origin: germline.
Comment: The c.199T>C (p.Y67H) alteration is located in exon 3 (coding exon 3) of the ACADM gene. This alteration results from a T to C substitution at nucleotide position 199, causing the tyrosine (Y) at amino acid position 67 to be replaced by a histidine (H). Based on data from the Genome Aggregation Database (gnomAD), the ACADM c.199T>C alteration was observed in 0.05% (140/282696) of total alleles studied, with a frequency of 0.1% (131/129102) in the European (non-Finnish) subpopulation. The p.Y67H alteration (also known as Y42H) is the second most frequent mutation identified among patients with medium chain acyl CoA dehydrogenase deficiency (MCADD) and is reported in the compound heterozygous state with the common European founder mutation c.985A>G in the majority of cases (Andresen, 2001; Maier, 2005; Gramer, 2015). Functional studies demonstrate that this is a temperature-sensitive mutation with mild effects on secondary protein structure and residual enzyme activity (Andresen, 2001; O'Reilly, 2004; Jank, 2014). The in silico prediction for the p.Y67H alteration is inconclusive. Based on the available evidence, this alteration is classified as pathogenic.

Myriad Genetics, Inc.
Classification: Pathogenic for Medium-chain acyl-coenzyme A dehydrogenase deficiency. Last evaluated: 2019-12-20. Review status: criteria provided, single submitter. Criteria: Myriad Women's Health Autosomal Recessive and X-Linked Classification Criteria (2019). Collection method: clinical testing. Allele origin: unknown.
Comment: NM_000016.4(ACADM):c.199T>C(Y67H) is classified as pathogenic in the context of medium chain acyl-CoA dehydrogenase deficiency and is associated with a mild form of this disease. Sources cited for classification include the following: PMIDs: 15832312, 20434380, 11409868, 19224950, 23028790, 23509891, and 24718418. Classification of NM_000016.4(ACADM):c.199T>C(Y67H) is based on the following criteria: This is a well-established pathogenic variant in the literature that has been observed more frequently in patients with clinical diagnoses than in healthy populations. Please note: this variant was assessed in the context of healthy population screening.

Laboratory for Molecular Medicine, Mass General Brigham Personalized Medicine
Classification: Likely pathogenic for Medium-chain acyl-coenzyme A dehydrogenase deficiency. Last evaluated: 2017-03-31. Review status: criteria provided, single submitter. Criteria: LMM Criteria. Collection method: clinical testing. Allele origin: germline. Inheritance: Autosomal recessive inheritance. Observed: 1 variant allele.
Comment: The p.Tyr71His variant in ACADM (NM_001127328.1 c.211T>C; also referred to as c. 199Y>C, T42H, and T67H) has been reported in > 15 compound heterozygous individu als with mild medium-chain acyl-CoA dehydrogenase (MCAD) deficiency (Zschocke 20 01, Touw 2013, and Gramer 2015), and segregated in 1 sibling in 1 family (Touw 2 013). This variant has also been reported in ClinVar (Variation ID#3597). This v ariant has been identified in 0.10% (69/66,614) of European chromosomes by the E xome Aggregation Consortium (ExAC; dbSNP rs12143 4280). Although this variant has been seen in the general population, its freque ncy is low enough to be consistent with a recessive carrier frequency, particula rly with one presenting with a mild phenotype. In vitro functional studies provi de some evidence that the p.Tyr71 variant may modestly impact protein function ( O'Reilly 2004, Maier 2009, Koster 2014, Jank 2014, and Hara 2016). However, thes e assays show a decreased, but not eliminated, residual activity. It is unclear how this mild biochemical reduction may lead to a clinical phenotype. In summary , although additional studies are required to fully establish its clinical signi ficance, the p.Tyr71His variant is likely pathogenic in an autosomal recessive m anner for mild MCAD deficiency.

Women's Health and Genetics/Laboratory Corporation of America, LabCorp
Classification: Pathogenic for Medium-chain acyl-coenzyme A dehydrogenase deficiency. Last evaluated: 2016-12-15. Review status: criteria provided, single submitter. Criteria: LabCorp Variant Classification Summary - May 2015. Collection method: clinical testing. Allele origin: germline.
Comment: Variant summary: The ACADM c.199T>C (p.Tyr67His) variant located in the Acyl-CoA dehydrogenase/oxidase, N-terminal and middle domain causes a missense change involving a conserved nucleotide that 3/4 in silico tools (SNPs&GO not captured here due to low reliability) predict a benign outcome. The variant of interest was observed in controls with an allele frequency of 74/121100 (1/1636), which does not exceed the estimated maximal expected allele frequency for a pathogenic ACADM variant of 1/184. The variant of interest has been reported in multiple affected individuals as compound heterozygous, which have been implicated to have mild phenotypes, to the point where multiple authors indicate individuals with this variant do not present clinically. In addition, multiple functional studies have been performed and show the variant has a mild affect on wild type functionality. In addition, multiple clinical diagnostic laboratories/databases cite variant as "pathogenic." Therefore, taking all available information into consideration, the variant of interest has been classified as "pathogenic" for a mild MCAD phenotype.

UNC Molecular Genetics  Laboratory, University of North Carolina at Chapel Hill
Classification: Pathogenic for Medium-chain acyl-coenzyme A dehydrogenase deficiency. Review status: criteria provided, single submitter. Criteria: ACMG Guidelines, 2015. Collection method: research. Allele origin: germline. Affected: yes. Observed: 1 variant allele. Study: NSIGHT-NC NEXUS.
Comment: The ACADM c.199T>C (p.Y67H) missense variant has been previously reported as pathogenic for medium-chain acyl-coA dehydrogenase deficiency in compound heterozygous individuals with a second, more severe ACADM variant. This variant is also referred to as Y42H (PMID: 11409868; 25940036; 11349232).

OMIM
Classification: Pathogenic for MCAD DEFICIENCY. Last evaluated: 2008-03-01. Review status: no assertion criteria provided. Collection method: literature only. Allele origin: germline. Not counted in ClinVar's aggregate classification.

Literature cited by the submitters: PubMed 16291504 (cited by Labcorp Genetics (formerly Invitae), Labcorp); PubMed 18188679 (cited by Labcorp Genetics (formerly Invitae), Labcorp); PubMed 20036593 (cited by Labcorp Genetics (formerly Invitae), Labcorp); PubMed 20434380 (cited by Labcorp Genetics (formerly Invitae), Labcorp and Myriad Genetics, Inc.); PubMed 22166308 (cited by Labcorp Genetics (formerly Invitae), Labcorp); PubMed 22848008 (cited by Labcorp Genetics (formerly Invitae), Labcorp); PubMed 25940036 (cited by 5 submitters); PubMed 15479234 (cited by 6 submitters); PubMed 19224950 (cited by 4 submitters); PubMed 24718418 (cited by 6 submitters); PubMed 11409868 (cited by 6 submitters); PubMed 23509891 (cited by 4 submitters); PubMed 24966162 (cited by 3 submitters); PubMed 22630369 (cited by Natera, Inc. and Women's Health and Genetics/Laboratory Corporation of America, LabCorp); PubMed 32778825 (cited by Quest Diagnostics Nichols Institute San Juan Capistrano); PubMed 33580884 (cited by Quest Diagnostics Nichols Institute San Juan Capistrano); PubMed 38535124 (cited by Quest Diagnostics Nichols Institute San Juan Capistrano); PubMed 31012112 (cited by Quest Diagnostics Nichols Institute San Juan Capistrano); PubMed 11349232 (cited by 4 submitters); PubMed 18241067 (cited by Quest Diagnostics Nichols Institute San Juan Capistrano and OMIM); PubMed 26947917 (cited by Quest Diagnostics Nichols Institute San Juan Capistrano and Laboratory for Molecular Medicine, Mass General Brigham Personalized Medicine); PubMed 27477829 (cited by Quest Diagnostics Nichols Institute San Juan Capistrano); PubMed 23028790 (cited by 3 submitters); PubMed 32853555 (cited by Quest Diagnostics Nichols Institute San Juan Capistrano); PubMed 9158144 (cited by Ambry Genetics); PubMed 15832312 (cited by 3 submitters); PubMed 19780764 (cited by Laboratory for Molecular Medicine, Mass General Brigham Personalized Medicine); PubMed 20301597 (cited by UNC Molecular Genetics  Laboratory, University of North Carolina at Chapel Hill).